The following is an entry in ClinVar:

ClinVar aggregate classification (germline): Conflicting classifications of pathogenicity. Review status: criteria provided, conflicting classifications (1 of 4 stars). 5 submissions from 5 submitters: Uncertain significance (3); Likely benign (1). 1 of the submissions does not count toward it. Last evaluated 2026-02-10.

Conditions:
MECOM-related disorder. Also called: MECOM-related condition.

Allele frequency attached by ClinVar (database versions not stated): TOPMed 0.00019; ESP Exome Variant Server 0.00023; gnomAD 0.00023; 1000 Genomes Project 0.00040; ExAC 0.00044; 1000 Genomes Project 30x 0.00047.
gnomAD v4.1: 687 of 1,613,260 alleles (0.043%); highest among the groups gnomAD compares: Non-Finnish European, 0.051%; no homozygotes.

Submissions (5):

GeneDx
Classification: Uncertain significance. Last evaluated: 2026-02-10. Review status: criteria provided, single submitter. Criteria: GeneDx Variant Classification Process June 2021. Collection method: clinical testing. Allele origin: germline.
Comment: Reported in a proband with radioulnar synostosis with amegakaryocytic thrombocytopenia 2 in the published literature (PMID: 38177409); In silico analysis suggests that this missense variant does not alter protein structure/function; This variant is associated with the following publications: (PMID: 38177409)

Labcorp Genetics (formerly Invitae), Labcorp
Classification: Uncertain significance. Last evaluated: 2025-12-11. Review status: criteria provided, single submitter. Criteria: Invitae Variant Classification Sherloc (09022015). Collection method: clinical testing. Allele origin: germline.
Comment: This sequence change replaces cysteine, which is neutral and slightly polar, with tyrosine, which is neutral and polar, at codon 940 of the MECOM protein (p.Cys940Tyr). This variant is present in population databases (rs140918202, gnomAD 0.07%), and has an allele count higher than expected for a pathogenic variant. This variant has not been reported in the literature in individuals affected with MECOM-related conditions. ClinVar contains an entry for this variant (Variation ID: 2077252). An algorithm developed to predict the effect of missense changes on protein structure and function (PolyPhen-2) suggests that this variant is likely to be disruptive. In summary, the available evidence is currently insufficient to determine the role of this variant in disease. Therefore, it has been classified as a Variant of Uncertain Significance.

Blueprint Genetics
Classification: Likely benign. Last evaluated: 2024-11-19. Review status: criteria provided, single submitter. Criteria: ACMG Guidelines, 2015. Collection method: clinical testing. Allele origin: germline.

Mayo Clinic Laboratories, Mayo Clinic
Classification: Uncertain significance. Last evaluated: 2024-02-15. Review status: criteria provided, single submitter. Criteria: ACMG Guidelines, 2015. Collection method: clinical testing. Allele origin: germline. Observed: 1 variant allele.
Comment: BS1_supporting, BP4, PM1_supporting

PreventionGenetics, part of Exact Sciences
Classification: Likely benign for MECOM-related condition. Last evaluated: 2022-08-02. Review status: no assertion criteria provided. Collection method: clinical testing. Allele origin: germline. Not counted in ClinVar's aggregate classification.
Comment: This variant is classified as likely benign based on ACMG/AMP sequence variant interpretation guidelines (Richards et al. 2015 PMID: 25741868, with internal and published modifications).

NM_004991.4(MECOM):c.3383G>A (p.Cys1128Tyr)

Gene: MECOM (MDS1 and EVI1 complex locus; minus strand). Cytogenetic location: 3q26.2.
Variant type: single nucleotide variant.
Coding change: c.3383G>A on transcript NM_004991.4 (MANE Select); coding-DNA position 3383, G replaced by A.
Protein change: p.Cys1128Tyr; replaces cysteine 1128 with tyrosine.
Molecular consequence: missense variant.
Genome position (GRCh38, 1-based): chr3:169,090,018, C>T on the plus strand (G>A on the coding strand, the complement: MECOM is on the minus strand). VCF-style: chr3-169090018-C-T. GRCh37 (hg19) VCF-style: chr3-168807806-C-T.
Other names: p.Cys1128Tyr; c.3014G>A, p.Cys1005Tyr (NM_001105077.4); c.2819G>A, p.Cys940Tyr (NM_001105078.4, NM_001205194.2, NM_001366469.2 and 1 more transcripts); c.2795G>A, p.Cys932Tyr (NM_001163999.2, NM_001366470.2); c.2792G>A, p.Cys931Tyr (NM_001164000.2, NM_001366471.2, NM_001366472.2); c.3356G>A, p.Cys1119Tyr (NM_001366466.2); c.2822G>A, p.Cys941Tyr (NM_001366467.2, NM_001366468.2); c.2384G>A, p.Cys795Tyr (NM_001366473.2); and 2 more; short protein forms C1128Y, C931Y, C932Y, C940Y, C795Y, C607Y, C941Y, C1005Y.
Identifiers: ClinVar variation 2077252 (VCV002077252.9), dbSNP rs140918202, ClinGen allele CA2695922.
Genomic context (GRCh38, chr3:169,090,018, plus strand): 5'-ATCTACTCTAGCTTAGTTTCTAAAGTCACCCAAGGTACTCACCTCACTGGGGATGTCTTG[C>T]AACTCATCTCCAGGGCACTGGTTTCTTCATAGTCATCCTCAGGGTTTCCTTCATGTAAAT-3'
Protein context (NP_004982.2, residues 1118-1138): YEETSALEMS[Cys1128Tyr]KTSPVRYKEE